The following is an entry in ClinVar:

ClinVar aggregate classification (germline): Benign. Review status: criteria provided, multiple submitters, no conflicts (2 of 4 stars). 2 submissions from 2 submitters: Benign (2). Last evaluated 2018-01-13.

Conditions:
Dicarboxylic aminoaciduria (DCBXA). Also called: GLUTAMATE-ASPARTATE TRANSPORT DEFECT. Identifiers: Orphanet 2195, MedGen C1857253, MONDO:0009110, OMIM 222730.

Allele frequency attached by ClinVar (database versions not stated): 1000 Genomes Project 0.22804; 1000 Genomes Project 30x 0.23142; gnomAD 0.28335 and 0.28531; TOPMed 0.28953; gnomAD exomes 0.40000.
gnomAD v4.1: 43,176 of 152,088 alleles (28%); highest among the groups gnomAD compares: Middle Eastern, 43%; 6,542 homozygotes.

Submissions (2):

Illumina Laboratory Services, Illumina
Classification: Benign for Dicarboxylic aminoaciduria. Last evaluated: 2018-01-13. Review status: criteria provided, single submitter. Criteria: ICSL Variant Classification Criteria 13 December 2019. Collection method: clinical testing. Allele origin: germline.
Comment: This variant was observed in the ICSL laboratory as part of a predisposition screen in an ostensibly healthy population. It had not been previously curated by ICSL or reported in the Human Gene Mutation Database (HGMD: prior to June 1st, 2018), and was therefore a candidate for classification through an automated scoring system. Utilizing variant allele frequency, disease prevalence and penetrance estimates, and inheritance mode, an automated score was calculated to assess if this variant is too frequent to cause the disease. Based on the score and internal cut-off values, a variant classified as benign is not then subjected to further curation. The score for this variant resulted in a classification of benign for this disease.

Breakthrough Genomics
Classification: Benign. Review status: criteria provided, single submitter. Criteria: ACMG Guidelines, 2015. Collection method: not provided. Allele origin: germline. Inheritance: Autosomal recessive inheritance. Affected: yes.

NM_004170.6(SLC1A1):c.*1250G>C

Gene: SLC1A1 (solute carrier family 1 member 1; plus strand). Cytogenetic location: 9p24.2.
Variant type: single nucleotide variant.
Coding change: c.*1250G>C on transcript NM_004170.6 (MANE Select); 1250 bases downstream of the stop codon, G replaced by C.
Molecular consequence: 3 prime UTR variant.
Genome position (GRCh38, 1-based): chr9:4,586,808, G>C. VCF-style: chr9-4586808-G-C. GRCh37 (hg19) VCF-style: chr9-4586808-G-C.
Identifiers: ClinVar variation 367084 (VCV000367084.6), dbSNP rs3087879, ClinGen allele CA10627439.